The following is an entry in ClinVar:

NM_153704.6(TMEM67):c.1674+5A>T

Gene: TMEM67 (transmembrane protein 67; plus strand). Cytogenetic location: 8q22.1.
Variant type: single nucleotide variant.
Coding change: c.1674+5A>T on transcript NM_153704.6 (MANE Select); 5 bases into the intron after coding-DNA position 1674, A replaced by T.
Molecular consequence: intron variant.
Genome position (GRCh38, 1-based): chr8:93,793,301, A>T. VCF-style: chr8-93793301-A-T. GRCh37 (hg19) VCF-style: chr8-94805529-A-T.
Other names: c.1431+5A>T (NM_001142301.1).
Identifiers: ClinVar variation 216825 (VCV000216825.9), dbSNP rs863224813, ClinGen allele CA336397.

ClinVar aggregate classification (germline): Uncertain significance (1 of 4 stars; one submission).

Conditions:
Meckel-Gruber syndrome. Also called: Dysencephalia splachnocystica; DYSENCEPHALIA SPLANCHNOCYSTICA; GRUBER SYNDROME. Identifiers: Orphanet 564, MedGen C0265215, MONDO:0018921.
Joubert syndrome. Also called: CEREBELLOPARENCHYMAL DISORDER IV; JOUBERT-BOLTSHAUSER SYNDROME; Familial aplasia of the vermis. Identifiers: Orphanet 475, MedGen C5979921, MONDO:0018772.

Submission:

Labcorp Genetics (formerly Invitae), Labcorp
Classification: Uncertain significance for Joubert syndrome; Meckel-Gruber syndrome. Last evaluated: 2018-02-08. Review status: criteria provided, single submitter. Criteria: Invitae Variant Classification Sherloc (09022015). Collection method: clinical testing. Allele origin: germline.
Comment: This variant is not present in population databases (ExAC no frequency). In summary, the available evidence is currently insufficient to determine the role of this variant in disease. Therefore, it has been classified as a Variant of Uncertain Significance. Nucleotide substitutions within the consensus splice site are a relatively common cause of aberrant splicing (PMID: 17576681, 9536098). Algorithms developed to predict the effect of sequence changes on RNA splicing suggest that this variant is not likely to affect RNA splicing, but this prediction has not been confirmed by published transcriptional studies. This variant has not been reported in the literature in individuals with TMEM67-related disease. ClinVar contains an entry for this variant (Variation ID: 216825). This sequence change falls in intron 16 of the TMEM67 gene. It does not directly change the encoded amino acid sequence of the TMEM67 protein, but it affects a nucleotide within the consensus splice site of the intron.

Literature cited by the submitters: PubMed 17576681; PubMed 9536098.